The following is an entry in ClinVar:

ClinVar aggregate classification (germline): Pathogenic. Review status: criteria provided, multiple submitters, no conflicts (2 of 4 stars). 3 submissions from 3 submitters: Pathogenic (3). Last evaluated 2021-03-08.

Conditions:
Multiple congenital exostosis (EXT). Also called: Hereditary multiple osteochondromas; Multiple exostoses; Hereditary multiple exostoses; Hereditary multiple exostosis; Multiple osteochondromas; MULTIPLE CARTILAGINOUS EXOSTOSES. Identifiers: Orphanet 321, MedGen C0015306, MONDO:0005508, HP:0002762.
EXT1-related disorders.

Submissions (3):

Blueprint Genetics
Classification: Pathogenic for EXT1-related disorders. Last evaluated: 2021-03-08. Review status: criteria provided, single submitter. Criteria: ACMG Guidelines, 2015. Collection method: clinical testing. Allele origin: germline. Affected: yes. Observed: 1 variant allele.

Labcorp Genetics (formerly Invitae), Labcorp
Classification: Pathogenic for Multiple congenital exostosis. Last evaluated: 2019-05-27. Review status: criteria provided, single submitter. Criteria: Invitae Variant Classification Sherloc (09022015). Collection method: clinical testing. Allele origin: germline.
Comment: This variant has been observed in individuals affected with multiple osteochondromas (PMID: 15586175, Invitae). ClinVar contains an entry for this variant (Variation ID: 526302). Algorithms developed to predict the effect of sequence changes on RNA splicing suggest that this variant may disrupt the consensus splice site, but this prediction has not been confirmed by published transcriptional studies. This variant is not present in population databases (ExAC no frequency). For these reasons, this variant has been classified as Pathogenic. Donor and acceptor splice site variants typically lead to a loss of protein function (PMID: 16199547), and loss-of-function variants in EXT1 are known to be pathogenic (PMID: 10679937, 11391482, 19810120). This sequence change affects an acceptor splice site in intron 1 of the EXT1 gene. It is expected to disrupt RNA splicing and likely results in an absent or disrupted protein product.

Baylor Genetics
Classification: Pathogenic for Exostoses, multiple, type 1. Last evaluated: 2019-03-11. Review status: criteria provided, single submitter. Criteria: ACMG Guidelines, 2015. Collection method: clinical testing. Allele origin: de novo. Affected: yes.
Comment: This variant was determined to be pathogenic according to ACMG Guidelines, 2015 [PMID:25741868]. This variant has been previously reported as disease causing [PMID 15586175, 25525159]

Literature cited by the submitters: PubMed 15586175 (cited by Labcorp Genetics (formerly Invitae), Labcorp and Baylor Genetics); PubMed 16199547 (cited by Labcorp Genetics (formerly Invitae), Labcorp); PubMed 10679937 (cited by Labcorp Genetics (formerly Invitae), Labcorp); PubMed 11391482 (cited by Labcorp Genetics (formerly Invitae), Labcorp); PubMed 19810120 (cited by Labcorp Genetics (formerly Invitae), Labcorp); PubMed 25525159 (cited by Baylor Genetics).

NM_000127.3(EXT1):c.963-2A>G

Gene: EXT1 (exostosin glycosyltransferase 1; minus strand). Cytogenetic location: 8q24.11.
Variant type: single nucleotide variant.
Coding change: c.963-2A>G on transcript NM_000127.3 (MANE Select); the canonical splice acceptor site of the intron before coding-DNA position 963, A replaced by G.
Molecular consequence: splice acceptor variant.
Genome position (GRCh38, 1-based): chr8:117,837,203, T>C on the plus strand (A>G on the coding strand, the complement: EXT1 is on the minus strand). VCF-style: chr8-117837203-T-C. GRCh37 (hg19) VCF-style: chr8-118849442-T-C.
Identifiers: ClinVar variation 526302 (VCV000526302.13), dbSNP rs1554580162, ClinGen allele CA371893411.